The following is an entry in ClinVar:

ClinVar aggregate classification (germline): Conflicting classifications of pathogenicity. Review status: criteria provided, conflicting classifications (1 of 4 stars). 3 submissions from 3 submitters: Likely pathogenic (2); Uncertain significance (1). Last evaluated 2024-11-16.

Conditions:
Pancytopenia. Identifiers: MedGen C0030312, MONDO:0001529, HP:0001876.
Non-immune hydrops fetalis (NIHF). Also called: Fetal edema; Idiopathic hydrops fetalis; Familial non-immune hydrops fetalis. Identifiers: Orphanet 363999, MedGen C0455988, MONDO:0009369, OMIM 236750, HP:0001790.

Submissions (3):

Labcorp Genetics (formerly Invitae), Labcorp
Classification: Uncertain significance. Last evaluated: 2024-11-16. Review status: criteria provided, single submitter. Criteria: Invitae Variant Classification Sherloc (09022015). Collection method: clinical testing. Allele origin: germline.
Comment: This sequence change replaces methionine, which is neutral and non-polar, with isoleucine, which is neutral and non-polar, at codon 870 of the PIEZO1 protein (p.Met870Ile). This variant is not present in population databases (gnomAD no frequency). This missense change has been observed in individuals with clinical features of hereditary stomatocytosis (PMID: 30187933; internal data). ClinVar contains an entry for this variant (Variation ID: 1065513). Invitae Evidence Modeling of protein sequence and biophysical properties (such as structural, functional, and spatial information, amino acid conservation, physicochemical variation, residue mobility, and thermodynamic stability) indicates that this missense variant is expected to disrupt PIEZO1 protein function with a positive predictive value of 80%. In summary, the available evidence is currently insufficient to determine the role of this variant in disease. Therefore, it has been classified as a Variant of Uncertain Significance.

Genomic Medicine Lab, University of California San Francisco
Classification: Likely pathogenic for Non-immune hydrops fetalis. Last evaluated: 2020-03-26. Review status: criteria provided, single submitter. Criteria: ACMG Guidelines, 2015. Collection method: clinical testing. Allele origin: maternal. Inheritance: Autosomal dominant inheritance. Affected: yes. Study: CSER-P3EGS.

Cambridge Genomics Laboratory, East Genomic Laboratory Hub, NHS Genomic Medicine Service
Classification: Likely pathogenic for Pancytopenia. Last evaluated: 2019-04-17. Review status: criteria provided, single submitter. Criteria: ACGS Best Practice Guidelines for Variant Classification in Rare Disease 2020. Collection method: clinical testing. Allele origin: germline. Affected: yes. Observed: 1 variant allele.

Literature cited by the submitters: PubMed 30187933 (cited by Labcorp Genetics (formerly Invitae), Labcorp).

NM_001142864.4(PIEZO1):c.2610G>A (p.Met870Ile)

Genes: HSALR1 (HSP90AB1 associated lncRNA 1; plus strand), PIEZO1 (piezo type mechanosensitive ion channel component 1 (Er blood group); minus strand). Cytogenetic location: 16q24.3.
Variant type: single nucleotide variant.
Coding change: c.2610G>A on transcript NM_001142864.4 (MANE Select); coding-DNA position 2610, G replaced by A.
Protein change: p.Met870Ile; replaces methionine 870 with isoleucine.
Molecular consequence: missense variant.
Genome position (GRCh38, 1-based): chr16:88,733,332, C>T on the plus strand (G>A on the coding strand, the complement: PIEZO1 is on the minus strand). VCF-style: chr16-88733332-C-T. GRCh37 (hg19) VCF-style: chr16-88799740-C-T.
Other names: short protein forms M870I.
Identifiers: ClinVar variation 1065513 (VCV001065513.10), dbSNP rs1247870598, ClinGen allele CA397111645.